The following is an entry in ClinVar:

NM_007194.4(CHEK2):c.313A>C (p.Asn105His)

Gene: CHEK2 (checkpoint kinase 2; minus strand). Cytogenetic location: 22q12.1.
Variant type: single nucleotide variant.
Coding change: c.313A>C on transcript NM_007194.4 (MANE Select); coding-DNA position 313, A replaced by C.
Protein change: p.Asn105His; replaces asparagine 105 with histidine.
Molecular consequence: missense variant.
Genome position (GRCh38, 1-based): chr22:28,734,409, T>G on the plus strand (A>C on the coding strand, the complement: CHEK2 is on the minus strand). VCF-style: chr22-28734409-T-G. GRCh37 (hg19) VCF-style: chr22-29130397-T-G.
Other names: c.313A>C, p.Asn105His (NM_001005735.3, NM_001349956.3, NM_145862.3); c.-465A>C (NM_001257387.3); short protein forms N105H.
Identifiers: ClinVar variation 479583 (VCV000479583.14), dbSNP rs1010061908, ClinGen allele CA322998553.
Genomic context (GRCh38, chr22:28,734,409, plus strand): 5'-TTCTGTAAGTGTTTTTCTGAACAAAACGTGATACTATACAACAAAGGGTCTTACCAAGAT[T>G]GGCAAATCCATCCTGAAGGGCCCATAATCGAGCCCAGGGGGCAGGGGTAGGCTCCTCAGG-3'
Protein context (NP_009125.1, residues 95-115): RLWALQDGFA[Asn105His]LECVNDNYWF

ClinVar aggregate classification (germline): Uncertain significance. Review status: criteria provided, multiple submitters, no conflicts (2 of 4 stars). 3 submissions from 3 submitters: Uncertain significance (3). Last evaluated 2026-01-20.

Conditions:
Hereditary cancer-predisposing syndrome. Also called: Hereditary Cancer Syndrome; Neoplastic Syndromes, Hereditary; Tumor predisposition; Hereditary neoplastic syndrome. Identifiers: Orphanet 140162, MedGen C0027672, MeSH D009386, MONDO:0015356.
Familial cancer of breast. Also called: BREAST CANCER, FAMILIAL; Hereditary breast cancer; hereditary breast carcinoma. Identifiers: Orphanet 227535, MedGen C0346153, MONDO:0016419, OMIM 114480. Disease mechanism: loss of function.

Allele frequency attached by ClinVar (database versions not stated): gnomAD exomes below 0.00001.
gnomAD v4.1: 3 of 1,613,918 alleles (0.00019%); highest among the groups gnomAD compares: Non-Finnish European, 0.00025%; no homozygotes.

Submissions (3):

Labcorp Genetics (formerly Invitae), Labcorp
Classification: Uncertain significance for Familial cancer of breast. Last evaluated: 2026-01-20. Review status: criteria provided, single submitter. Criteria: Invitae Variant Classification Sherloc (09022015). Collection method: clinical testing. Allele origin: germline.
Comment: This sequence change replaces asparagine, which is neutral and polar, with histidine, which is basic and polar, at codon 105 of the CHEK2 protein (p.Asn105His). This variant is not present in population databases (gnomAD no frequency). This variant has not been reported in the literature in individuals affected with CHEK2-related conditions. ClinVar contains an entry for this variant (Variation ID: 479583). An algorithm developed to predict the effect of missense changes on protein structure and function (PolyPhen-2) suggests that this variant is likely to be disruptive. In summary, the available evidence is currently insufficient to determine the role of this variant in disease. Therefore, it has been classified as a Variant of Uncertain Significance.

Ambry Genetics
Classification: Uncertain significance for Hereditary cancer-predisposing syndrome. Last evaluated: 2025-01-24. Review status: criteria provided, single submitter. Criteria: Ambry Variant Classification Scheme 2023. Collection method: clinical testing. Allele origin: germline.
Comment: The p.N105H variant (also known as c.313A>C), located in coding exon 1 of the CHEK2 gene, results from an A to C substitution at nucleotide position 313. The asparagine at codon 105 is replaced by histidine, an amino acid with similar properties. This alteration was identified in an individual diagnosed with ovarian cancer (Song H et al. J Med Genet, 2021 05;58:305-313). This amino acid position is highly conserved in available vertebrate species. In addition, the in silico prediction for this alteration is inconclusive. Based on the available evidence, the clinical significance of this variant remains unclear.

GeneDx
Classification: Uncertain significance. Last evaluated: 2022-09-02. Review status: criteria provided, single submitter. Criteria: GeneDx Variant Classification Process June 2021. Collection method: clinical testing. Allele origin: germline. Affected: yes.
Comment: Not observed at significant frequency in large population cohorts (gnomAD); In silico analysis supports that this missense variant has a deleterious effect on protein structure/function; Has not been previously published as pathogenic or benign to our knowledge; This variant is associated with the following publications: (PMID: 22419737, 19782031)

Literature cited by the submitters: PubMed 32546565 (cited by Ambry Genetics).